The following is an entry in ClinVar:

ClinVar aggregate classification (germline): Uncertain significance (1 of 4 stars; one submission).

Conditions:
Cardiovascular phenotype. Identifiers: MedGen CN230736.

Allele frequency attached by ClinVar (database versions not stated): ExAC 0.00001; gnomAD 0.00001; TOPMed 0.00001.
gnomAD v4.1: 1 of 1,613,792 alleles (0.000062%); highest among the groups gnomAD compares: African/African-American, 0.0013%; no homozygotes.

Submission:

Ambry Genetics
Classification: Uncertain significance for Cardiovascular phenotype. Last evaluated: 2019-06-06. Review status: criteria provided, single submitter. Criteria: Ambry Variant Classification Scheme 2023. Collection method: clinical testing. Allele origin: germline.
Comment: The p.I3623V variant (also known as c.10867A>G), located in coding exon 44 of the TTN gene, results from an A to G substitution at nucleotide position 10867. The isoleucine at codon 3623 is replaced by valine, an amino acid with highly similar properties. This amino acid position is not well conserved in available vertebrate species, and valine is the reference amino acid in other vertebrate species. In addition, this alteration is predicted to be tolerated by in silico analysis. Since supporting evidence is limited at this time, the clinical significance of this alteration remains unclear.

NM_001267550.2(TTN):c.11956A>G (p.Ile3986Val)

Gene: TTN (titin; minus strand). Cytogenetic location: 2q31.2.
Variant type: single nucleotide variant.
Coding change: c.11956A>G on transcript NM_001267550.2 (MANE Select); coding-DNA position 11956, A replaced by G.
Protein change: p.Ile3986Val; replaces isoleucine 3986 with valine.
Molecular consequence: missense variant. On other transcripts: intron variant (1).
Genome position (GRCh38, 1-based): chr2:178,741,277, T>C on the plus strand (A>G on the coding strand, the complement: TTN is on the minus strand). VCF-style: chr2-178741277-T-C. GRCh37 (hg19) VCF-style: chr2-179606004-T-C.
Other names: c.11005A>G, p.Ile3669Val (NM_001256850.1); c.10867A>G, p.Ile3623Val (NM_003319.4); c.11242A>G, p.Ile3748Val (NM_133432.3); c.11443A>G, p.Ile3815Val (NM_133437.4); c.10361-2917A>G (NM_133378.4); short protein forms I3815V, I3623V, I3669V, I3986V, I3748V.
Identifiers: ClinVar variation 1787593 (VCV001787593.2), dbSNP rs763816587, ClinGen allele CA2002785.